The following is an entry in ClinVar:

NM_020911.2(PLXNA4):c.2463C>T (p.Phe821=)

Gene: PLXNA4 (plexin A4; minus strand). Cytogenetic location: 7q32.3.
Variant type: single nucleotide variant.
Coding change: c.2463C>T on transcript NM_020911.2 (MANE Select); coding-DNA position 2463, C replaced by T.
Protein change: p.Phe821=; no amino-acid change (phenylalanine 821 retained).
Molecular consequence: synonymous variant.
Genome position (GRCh38, 1-based): chr7:132,202,769, G>A on the plus strand (C>T on the coding strand, the complement: PLXNA4 is on the minus strand). VCF-style: chr7-132202769-G-A. GRCh37 (hg19) VCF-style: chr7-131887528-G-A.
Other names: c.2463C>T, p.Phe821= (NM_001393897.1).
Identifiers: ClinVar variation 3053566 (VCV003053566.2), dbSNP rs769546204, ClinGen allele CA4489791.

ClinVar aggregate classification (germline): Likely benign (0 of 4 stars; one submission).

Conditions:
PLXNA4-related disorder. Also called: PLXNA4-related condition.

Allele frequency attached by ClinVar (database versions not stated): gnomAD exomes 0.00002; ExAC 0.00003; gnomAD 0.00003; TOPMed 0.00003.
gnomAD v4.1: 38 of 1,611,914 alleles (0.0024%); highest among the groups gnomAD compares: African/African-American, 0.008%; no homozygotes.

Submission:

PreventionGenetics, part of Exact Sciences
Classification: Likely benign for PLXNA4-related condition. Last evaluated: 2022-07-20. Review status: no assertion criteria provided. Collection method: clinical testing. Allele origin: germline.
Comment: This variant is classified as likely benign based on ACMG/AMP sequence variant interpretation guidelines (Richards et al. 2015 PMID: 25741868, with internal and published modifications).